The following is an entry in ClinVar:

ClinVar aggregate classification (germline): Uncertain significance. Review status: criteria provided, multiple submitters, no conflicts (2 of 4 stars). 2 submissions from 2 submitters: Uncertain significance (2). Last evaluated 2023-06-24.

Allele frequency attached by ClinVar (database versions not stated): gnomAD exomes 0.00001; TOPMed 0.00001; ExAC 0.00002; gnomAD 0.00003.
gnomAD v4.1: 21 of 1,613,900 alleles (0.0013%); highest among the groups gnomAD compares: Admixed American, 0.0033%; no homozygotes.

Submissions (2):

Labcorp Genetics (formerly Invitae), Labcorp
Classification: Uncertain significance. Last evaluated: 2023-06-24. Review status: criteria provided, single submitter. Criteria: Invitae Variant Classification Sherloc (09022015). Collection method: clinical testing. Allele origin: germline.
Comment: This sequence change replaces arginine, which is basic and polar, with histidine, which is basic and polar, at codon 319 of the MCM4 protein (p.Arg319His). In summary, the available evidence is currently insufficient to determine the role of this variant in disease. Therefore, it has been classified as a Variant of Uncertain Significance. Advanced modeling of protein sequence and biophysical properties (such as structural, functional, and spatial information, amino acid conservation, physicochemical variation, residue mobility, and thermodynamic stability) performed at Invitae indicates that this missense variant is not expected to disrupt MCM4 protein function. ClinVar contains an entry for this variant (Variation ID: 2235315). This variant has not been reported in the literature in individuals affected with MCM4-related conditions. This variant is present in population databases (rs780867894, gnomAD 0.006%).

Ambry Genetics
Classification: Uncertain significance. Last evaluated: 2021-07-06. Review status: criteria provided, single submitter. Criteria: Ambry Variant Classification Scheme 2023. Collection method: clinical testing. Allele origin: germline.

NM_182746.3(MCM4):c.956G>A (p.Arg319His)

Gene: MCM4 (minichromosome maintenance complex component 4; plus strand). Cytogenetic location: 8q11.21.
Variant type: single nucleotide variant.
Coding change: c.956G>A on transcript NM_182746.3 (MANE Select); coding-DNA position 956, G replaced by A.
Protein change: p.Arg319His; replaces arginine 319 with histidine.
Molecular consequence: missense variant.
Genome position (GRCh38, 1-based): chr8:47,966,310, G>A. VCF-style: chr8-47966310-G-A. GRCh37 (hg19) VCF-style: chr8-48878870-G-A.
Other names: c.956G>A, p.Arg319His (NM_005914.4); short protein forms R319H.
Identifiers: ClinVar variation 2235315 (VCV002235315.5), dbSNP rs780867894, ClinGen allele CA4742471.